The following is an entry in ClinVar:

ClinVar aggregate classification (germline): Uncertain significance. Review status: criteria provided, multiple submitters, no conflicts (2 of 4 stars). 2 submissions from 2 submitters: Uncertain significance (2). Last evaluated 2023-12-22.

Conditions:
Ataxia-telangiectasia syndrome (AT). Also called: Ataxia-telangiectasia, complementation group D; AT, COMPLEMENTATION GROUP C; Ataxia-telangiectasia; Ataxia telangiectasia (A-T); Ataxia-telangiectasia, complementation group E; Cerebello-oculocutaneous telangiectasia. Identifiers: Orphanet 100, MedGen C0004135, MONDO:0008840, OMIM 208900.
Hereditary cancer-predisposing syndrome. Also called: Neoplastic Syndromes, Hereditary; Hereditary neoplastic syndrome; Hereditary Cancer Syndrome; Tumor predisposition. Identifiers: Orphanet 140162, MedGen C0027672, MeSH D009386, MONDO:0015356.

Submissions (2):

Ambry Genetics
Classification: Uncertain significance for Hereditary cancer-predisposing syndrome. Last evaluated: 2023-12-22. Review status: criteria provided, single submitter. Criteria: Ambry Variant Classification Scheme 2023. Collection method: clinical testing. Allele origin: germline.
Comment: The p.E1622Q variant (also known as c.4864G>C), located in coding exon 31 of the ATM gene, results from a G to C substitution at nucleotide position 4864. The glutamic acid at codon 1622 is replaced by glutamine, an amino acid with highly similar properties. This amino acid position is not well conserved in available vertebrate species. In addition, this alteration is predicted to be tolerated by in silico analysis. Since supporting evidence is limited at this time, the clinical significance of this alteration remains unclear.

Labcorp Genetics (formerly Invitae), Labcorp
Classification: Uncertain significance for Ataxia-telangiectasia syndrome. Last evaluated: 2023-09-28. Review status: criteria provided, single submitter. Criteria: Invitae Variant Classification Sherloc (09022015). Collection method: clinical testing. Allele origin: germline.
Comment: In summary, the available evidence is currently insufficient to determine the role of this variant in disease. Therefore, it has been classified as a Variant of Uncertain Significance. An algorithm developed to predict the effect of missense changes on protein structure and function (PolyPhen-2) suggests that this variant is likely to be tolerated. ClinVar contains an entry for this variant (Variation ID: 1408718). This variant has not been reported in the literature in individuals affected with ATM-related conditions. This variant is not present in population databases (gnomAD no frequency). This sequence change replaces glutamic acid, which is acidic and polar, with glutamine, which is neutral and polar, at codon 1622 of the ATM protein (p.Glu1622Gln).

Literature cited by the submitters: PubMed 25186627 (cited by Ambry Genetics).

NM_000051.4(ATM):c.4864G>C (p.Glu1622Gln)

Gene: ATM (ATM serine/threonine kinase; plus strand). Cytogenetic location: 11q22.3.
Variant type: single nucleotide variant.
Coding change: c.4864G>C on transcript NM_000051.4 (MANE Select); coding-DNA position 4864, G replaced by C.
Protein change: p.Glu1622Gln; replaces glutamic acid 1622 with glutamine.
Molecular consequence: missense variant.
Genome position (GRCh38, 1-based): chr11:108,295,014, G>C. VCF-style: chr11-108295014-G-C. GRCh37 (hg19) VCF-style: chr11-108165741-G-C.
Other names: c.4864G>C, p.Glu1622Gln (NM_001351834.2); short protein forms E1622Q.
Identifiers: ClinVar variation 1408718 (VCV001408718.10), dbSNP rs2083042425, ClinGen allele CA382537065.